The following is an entry in ClinVar:

NM_001369268.1(ACAN):c.132del (p.Thr45fs)

Gene: ACAN (aggrecan; plus strand). Cytogenetic location: 15q26.1.
Variant type: Deletion.
Coding change: c.132del on transcript NM_001369268.1 (MANE Select); coding-DNA position 132, one base deleted (G; older notation c.132delG).
Protein change: p.Thr45fs; shifts the reading frame from threonine 45.
Molecular consequence: frameshift variant.
Genome position (GRCh38, 1-based): chr15:88,838,724, G deleted; the last of 4 consecutive G bases (chr15:88,838,721-88,838,724); deleting any one gives the same sequence. VCF-style (leftmost placement, unchanged base first): chr15-88838720-TG-T. GRCh37 (hg19) VCF-style: chr15-89381951-TG-T.
Other names: c.132del, p.Thr45fs (NM_001135.4, NM_001411096.1, NM_001411097.1 and 1 more transcripts); short protein forms T45fs.
Identifiers: ClinVar variation 2572529 (VCV002572529.1), dbSNP rs2505221117, ClinGen allele CA2580613308.

ClinVar aggregate classification (germline): Likely pathogenic (1 of 4 stars; one submission).

Conditions:
Short stature and advanced bone age, with or without early-onset osteoarthritis and/or osteochondritis dissecans (SSOAOD). Identifiers: Orphanet 251262, MedGen C3665488, MONDO:0100462, OMIM 165800.

Submission:

3billion
Classification: Likely pathogenic for Short stature and advanced bone age, with or without early-onset osteoarthritis and/or osteochondritis dissecans. Review status: criteria provided, single submitter. Criteria: ACMG Guidelines, 2015. Collection method: clinical testing. Allele origin: unknown. Affected: yes. Observed: 1 heterozygote.
Comment: The variant is not observed in the gnomAD v2.1.1 dataset. The variant is predicted to result in a loss or disruption of normal protein function through nonsense-mediated decay (NMD) or protein truncation. Multiple pathogenic variants are reported downstream of the variant. Therefore, this variant is classified as Likely pathogenic according to the recommendation of ACMG/AMP guideline.